The following is an entry in ClinVar:

NM_000059.4(BRCA2):c.1408dup (p.Glu470fs)

Gene: BRCA2 (BRCA2 DNA repair associated; plus strand). Cytogenetic location: 13q13.1.
Variant type: Duplication.
Coding change: c.1408dup on transcript NM_000059.4 (MANE Select); coding-DNA position 1408, one base duplicated (G; older notation c.1408dupG).
Protein change: p.Glu470fs; shifts the reading frame from glutamic acid 470.
Molecular consequence: frameshift variant.
Genome position (GRCh38, 1-based): chr13:32,332,886, G duplicated. VCF-style (leftmost placement, unchanged base first): chr13-32332885-T-TG. GRCh37 (hg19) VCF-style: chr13-32907022-T-TG.
Other names: 1636insG; c.1408dupG (NM_000059.3); short protein forms E470fs.
Identifiers: ClinVar variation 125945 (VCV000125945.23), dbSNP rs80359284, ClinGen allele CA011946.

ClinVar aggregate classification (germline): Pathogenic. Review status: reviewed by expert panel (3 of 4 stars). 10 submissions from 10 submitters: Pathogenic (1). 9 of the submissions do not count toward it. Last evaluated 2016-09-08.

Conditions:
BRCA2-related disorder. Also called: BRCA2-related condition; BRCA2-related disorders. Identifiers: MedGen CN239275.
Hereditary cancer-predisposing syndrome. Also called: Tumor predisposition; Hereditary Cancer Syndrome; Neoplastic Syndromes, Hereditary; Hereditary neoplastic syndrome. Identifiers: Orphanet 140162, MedGen C0027672, MeSH D009386, MONDO:0015356.
Hereditary breast ovarian cancer syndrome. Also called: Hereditary breast and ovarian cancer; Hereditary breast and/or ovarian cancer syndrome; BRCA1- and BRCA2-Associated Hereditary Breast and Ovarian Cancer; Hereditary breast and ovarian cancer syndrome; Hereditary breast and ovarian cancer syndrome (HBOC); Breast and ovarian cancer. Identifiers: Orphanet 145, MedGen C0677776, MeSH D061325, MONDO:0003582. Disease mechanism: loss of function.
Breast-ovarian cancer, familial, susceptibility to, 2 (BROVCA2). Also called: BRCA2 Hereditary Breast and Ovarian Cancer. Identifiers: Orphanet 145, MedGen C2675520, MONDO:0012933, OMIM 612555. Disease mechanism: loss of function.
Familial cancer of breast. Also called: BREAST CANCER, FAMILIAL; Hereditary breast cancer; hereditary breast carcinoma. Identifiers: Orphanet 227535, MedGen C0346153, MONDO:0016419, OMIM 114480. Disease mechanism: loss of function.

Submissions (10):

Evidence-based Network for the Interpretation of Germline Mutant Alleles (ENIGMA)
Classification: Pathogenic for Breast-ovarian cancer, familial, susceptibility to, 2. Last evaluated: 2016-09-08. Review status: reviewed by expert panel. Criteria: ENIGMA BRCA1/2 Classification Criteria (2015). Collection method: curation. Allele origin: germline.
Comment: Variant allele predicted to encode a truncated non-functional protein.

Labcorp Genetics (formerly Invitae), Labcorp
Classification: Pathogenic for Hereditary breast ovarian cancer syndrome. Last evaluated: 2024-06-16. Review status: criteria provided, single submitter. Criteria: Invitae Variant Classification Sherloc (09022015). Collection method: clinical testing. Allele origin: germline. Not counted in ClinVar's aggregate classification.
Comment: This sequence change creates a premature translational stop signal (p.Glu470Glyfs*6) in the BRCA2 gene. It is expected to result in an absent or disrupted protein product. Loss-of-function variants in BRCA2 are known to be pathogenic (PMID: 20104584). This variant is not present in population databases (gnomAD no frequency). This premature translational stop signal has been observed in individual(s) with a personal and/or family history of breast and ovarian cancer (PMID: 21203900, 27062684, 29446198). This variant is also known as c.1408insG and c.1408dup. ClinVar contains an entry for this variant (Variation ID: 125945). For these reasons, this variant has been classified as Pathogenic.

Ambry Genetics
Classification: Pathogenic for Hereditary cancer-predisposing syndrome. Last evaluated: 2024-02-15. Review status: criteria provided, single submitter. Criteria: Ambry Variant Classification Scheme 2023. Collection method: clinical testing. Allele origin: germline. Not counted in ClinVar's aggregate classification.
Comment: The c.1408dupG pathogenic mutation, located in coding exon 9 of the BRCA2 gene, results from a duplication of G at nucleotide position 1408, causing a translational frameshift with a predicted alternate stop codon (p.E470Gfs*6). This alteration has been detected in numerous hereditary breast and/or ovarian cancer families (Konecny M et al. Breast Cancer Res Treat. 2011; 126 (1):119-30; Azzollini J et al. Eur. J. Intern. Med., 2016 Jul;32:65-71; Rebbeck TR et al. Hum. Mutat., 2018 05;39:593-620; Machackova E et al. Klin Onkol, 2019;32:51-71). In addition to the clinical data presented in the literature, this alteration is expected to result in loss of function by premature protein truncation or nonsense-mediated mRNA decay. As such, this alteration is interpreted as a disease-causing mutation.

All of Us Research Program, National Institutes of Health
Classification: Pathogenic for Breast-ovarian cancer, familial, susceptibility to, 2. Last evaluated: 2024-01-08. Review status: criteria provided, single submitter. Criteria: ACMG Guidelines, 2015. Collection method: clinical testing. Allele origin: germline. Inheritance: Autosomal dominant inheritance. Observed: 1 variant allele, 1 heterozygote. Not counted in ClinVar's aggregate classification.
Comment: This variant inserts 1 nucleotide in exon 10 of the BRCA2 gene, creating a frameshift and premature translation stop signal. This variant is expected to result in an absent or non-functional protein product. This variant has been reported in individuals with a personal or family history of breast or ovarian cancer (PMID: 20609468, 21203900, 27062684, 29446198, 31409081). This variant has not been identified in the general population by the Genome Aggregation Database (gnomAD). Loss of BRCA2 function is a known mechanism of disease. Based on the available evidence, this variant is classified as Pathogenic.

This study involves interpretation of variants in research participants for the purpose of population health screening. Participant phenotype was not available at the time of variant classification. Additional details can be found in publication PMID: 35346344, PMCID: PMC8962531

Color Diagnostics, LLC DBA Color Health
Classification: Pathogenic for Hereditary cancer-predisposing syndrome. Last evaluated: 2023-11-15. Review status: criteria provided, single submitter. Criteria: ACMG Guidelines, 2015. Collection method: clinical testing. Allele origin: germline. Not counted in ClinVar's aggregate classification.
Comment: This variant inserts 1 nucleotide in exon 10 of the BRCA2 gene, creating a frameshift and premature translation stop signal. This variant is expected to result in an absent or non-functional protein product. This variant has been reported in individuals with a personal or family history of breast or ovarian cancer (PMID: 20609468, 21203900, 27062684, 29446198, 31409081). This variant has not been identified in the general population by the Genome Aggregation Database (gnomAD). Loss of BRCA2 function is a known mechanism of disease. Based on the available evidence, this variant is classified as Pathogenic.

Baylor Genetics
Classification: Pathogenic for Familial cancer of breast. Last evaluated: 2022-04-25. Review status: criteria provided, single submitter. Criteria: ACMG Guidelines, 2015. Collection method: clinical testing. Allele origin: unknown. Not counted in ClinVar's aggregate classification.

Consortium of Investigators of Modifiers of BRCA1/2 (CIMBA), c/o University of Cambridge
Classification: Pathogenic for Breast-ovarian cancer, familial, susceptibility to, 2. Last evaluated: 2015-10-02. Review status: criteria provided, single submitter. Criteria: CIMBA Mutation Classification guidelines May 2016. Collection method: clinical testing. Allele origin: germline. Not counted in ClinVar's aggregate classification.

Rady Children's Institute for Genomic Medicine, Rady Children's Hospital San Diego
Classification: Pathogenic for BRCA2-related disorders. Review status: criteria provided, single submitter. Criteria: ACMG Guidelines, 2015. Collection method: clinical testing. Allele origin: germline. Affected: yes. Not counted in ClinVar's aggregate classification.
Comment: This frameshifting variant in exon 10 of 28 introduces a premature stop codon and is therefore predicted to result in loss of normal protein function through either protein truncation or nonsense-mediated mRNA decay (NMD). This is a known Pathogenic variant that has been previously reported as a heterozygous change in individuals with BRCA2-related cancers in large cohort studies (PMID: 27062684, 29446198, 31209999, 31409081). Loss-of-function variation in BRCA2 is an established mechanism of disease (PMID: 20104584). The c.1408dup (p.Glu470GlyfsTer6) variant is absent from the gnomAD population database and thus is presumed to be rare. Based on the available evidence, the c.1408dup (p.Glu470GlyfsTer6) variant is classified as Pathogenic.

Gharavi Laboratory, Columbia University
Classification: Pathogenic. Last evaluated: 2018-09-16. Review status: no assertion criteria provided. Criteria: ACMG Guidelines, 2015. Collection method: research. Allele origin: germline. Affected: yes. Not counted in ClinVar's aggregate classification.

Breast Cancer Information Core (BIC) (BRCA2)
Classification: Pathogenic for Breast-ovarian cancer, familial 2. Last evaluated: 2001-10-29. Review status: no assertion criteria provided. Collection method: clinical testing. Allele origin: germline. Affected: yes. Observed: 1 variant allele. Not counted in ClinVar's aggregate classification.

Literature cited by the submitters: PubMed 20104584 (cited by Labcorp Genetics (formerly Invitae), Labcorp); PubMed 21203900 (cited by 3 submitters); PubMed 27062684 (cited by 4 submitters); PubMed 29446198 (cited by 4 submitters); PubMed 31209999 (cited by Ambry Genetics); PubMed 31409081 (cited by 3 submitters); PubMed 20609468 (cited by All of Us Research Program, National Institutes of Health and Color Diagnostics, LLC DBA Color Health).